The following is an entry in ClinVar:

ClinVar aggregate classification (germline): Uncertain significance. Review status: criteria provided, multiple submitters, no conflicts (2 of 4 stars). 2 submissions from 2 submitters: Uncertain significance (2). Last evaluated 2025-03-28.

Conditions:
Immunodeficiency 31B. Also called: STAT1 DEFICIENCY, AUTOSOMAL RECESSIVE; IMMUNODEFICIENCY 31B, MYCOBACTERIAL AND VIRAL INFECTIONS, AUTOSOMAL RECESSIVE. Identifiers: Orphanet 391311, MedGen C3151088, MONDO:0013427, OMIM 613796.
Autoimmune enteropathy and endocrinopathy - susceptibility to chronic infections syndrome. Also called: Immunodeficiency 31C, autosomal dominant; Immunodeficiency 31C. Identifiers: Orphanet 391487, MedGen C3279990, MONDO:0013599, OMIM 614162.
Mendelian susceptibility to mycobacterial diseases due to partial STAT1 deficiency. Also called: IMMUNODEFICIENCY 31A, MYCOBACTERIOSIS, AUTOSOMAL DOMINANT; STAT1 DEFICIENCY, AUTOSOMAL DOMINANT; Immunodeficiency 31a. Identifiers: Orphanet 319595, MedGen C4013950, MONDO:0013956, OMIM 614892.
Inborn genetic diseases. Identifiers: MedGen C0950123, MeSH D030342.

Allele frequency attached by ClinVar (database versions not stated): ExAC 0.00003; ESP Exome Variant Server 0.00008.

Submissions (2):

Ambry Genetics
Classification: Uncertain significance for Inborn genetic diseases. Last evaluated: 2025-03-28. Review status: criteria provided, single submitter. Criteria: Ambry Variant Classification Scheme 2023. Collection method: clinical testing. Allele origin: germline.

Labcorp Genetics (formerly Invitae), Labcorp
Classification: Uncertain significance for Mendelian susceptibility to mycobacterial diseases due to partial STAT1 deficiency; Immunodeficiency 31B; Autoimmune enteropathy and endocrinopathy - susceptibility to chronic infections syndrome. Last evaluated: 2025-03-16. Review status: criteria provided, single submitter. Criteria: Invitae Variant Classification Sherloc (09022015). Collection method: clinical testing. Allele origin: germline.
Comment: This sequence change replaces cysteine, which is neutral and slightly polar, with arginine, which is basic and polar, at codon 155 of the STAT1 protein (p.Cys155Arg). This variant is present in population databases (rs373784601, gnomAD 0.003%). This variant has not been reported in the literature in individuals affected with STAT1-related conditions. ClinVar contains an entry for this variant (Variation ID: 2932369). An algorithm developed to predict the effect of missense changes on protein structure and function (PolyPhen-2) suggests that this variant is likely to be tolerated. In summary, the available evidence is currently insufficient to determine the role of this variant in disease. Therefore, it has been classified as a Variant of Uncertain Significance.

NM_007315.4(STAT1):c.463T>C (p.Cys155Arg)

Gene: STAT1 (signal transducer and activator of transcription 1; minus strand). Cytogenetic location: 2q32.2.
Variant type: single nucleotide variant.
Coding change: c.463T>C on transcript NM_007315.4 (MANE Select); coding-DNA position 463, T replaced by C.
Protein change: p.Cys155Arg; replaces cysteine 155 with arginine.
Molecular consequence: missense variant. On other transcripts: intron variant (1).
Genome position (GRCh38, 1-based): chr2:190,999,704, A>G on the plus strand (T>C on the coding strand, the complement: STAT1 is on the minus strand). VCF-style: chr2-190999704-A-G. GRCh37 (hg19) VCF-style: chr2-191864430-A-G.
Other names: c.463T>C, p.Cys155Arg (NM_001384880.1, NM_001384882.1, NM_001384885.1 and 5 more transcripts); c.469T>C, p.Cys157Arg (NM_001384881.1, NM_001384884.1); c.373T>C, p.Cys125Arg (NM_001384890.1); c.499T>C, p.Cys167Arg (NM_001384891.1); c.463-7T>C (NM_001384883.1); short protein forms C155R, C157R, C167R, C125R.
Identifiers: ClinVar variation 2932369 (VCV002932369.4), dbSNP rs373784601, ClinGen allele CA2030217.